The following is an entry in ClinVar:

ClinVar aggregate classification (germline): Pathogenic (1 of 4 stars; one submission).

Submission:

Labcorp Genetics (formerly Invitae), Labcorp
Classification: Pathogenic. Last evaluated: 2022-05-12. Review status: criteria provided, single submitter. Criteria: Invitae Variant Classification Sherloc (09022015). Collection method: clinical testing. Allele origin: germline.
Comment: This sequence change creates a premature translational stop signal (p.Glu396Serfs*16) in the POLE gene. It is expected to result in an absent or disrupted protein product. Loss-of-function variants in POLE are known to be pathogenic (PMID: 23230001, 25948378, 30503519). For these reasons, this variant has been classified as Pathogenic. Experimental studies and prediction algorithms are not available or were not evaluated, and the functional significance of this variant is currently unknown. This variant has not been reported in the literature in individuals affected with POLE-related conditions. This variant is not present in population databases (gnomAD no frequency).

Literature cited by the submitters: PubMed 23230001; PubMed 25948378; PubMed 30503519.

NM_006231.4(POLE):c.1186del (p.Glu396fs)

Gene: POLE (DNA polymerase epsilon, catalytic subunit; minus strand). Cytogenetic location: 12q24.33.
Variant type: Deletion.
Coding change: c.1186del on transcript NM_006231.4 (MANE Select); coding-DNA position 1186, one base deleted (G; older notation c.1186delG).
Protein change: p.Glu396fs; shifts the reading frame from glutamic acid 396.
Molecular consequence: frameshift variant.
Genome position (GRCh38, 1-based): chr12:132,675,438, C deleted on the plus strand (G on the coding strand, the reverse complement: POLE is on the minus strand); the first of 5 consecutive C bases (chr12:132,675,438-132,675,442); deleting any one gives the same sequence. VCF-style (leftmost placement, unchanged base first): chr12-132675437-TC-T. GRCh37 (hg19) VCF-style: chr12-133252023-TC-T.
Other names: short protein forms E396fs.
Identifiers: ClinVar variation 1395011 (VCV001395011.8), dbSNP rs2136008692, ClinGen allele CA645596050.